The following is an entry in ClinVar:

NM_005548.3(KARS1):c.1724C>G (p.Pro575Arg)

Gene: KARS1 (lysyl-tRNA synthetase 1; minus strand). Cytogenetic location: 16q23.1.
Variant type: single nucleotide variant.
Coding change: c.1724C>G on transcript NM_005548.3 (MANE Select); coding-DNA position 1724, C replaced by G.
Protein change: p.Pro575Arg; replaces proline 575 with arginine.
Molecular consequence: missense variant.
Genome position (GRCh38, 1-based): chr16:75,627,965, G>C on the plus strand (C>G on the coding strand, the complement: KARS1 is on the minus strand). VCF-style: chr16-75627965-G-C. GRCh37 (hg19) VCF-style: chr16-75661863-G-C.
Other names: c.1808C>G, p.Pro603Arg (NM_001130089.2); c.1256C>G, p.Pro419Arg (NM_001378148.1); short protein forms P575R, P603R, P419R.
Identifiers: ClinVar variation 804949 (VCV000804949.6), dbSNP rs148798578, ClinGen allele CA8177134.

ClinVar aggregate classification (germline): Uncertain significance. Review status: criteria provided, multiple submitters, no conflicts (2 of 4 stars). 3 submissions from 3 submitters: Uncertain significance (3). Last evaluated 2024-09-19.

Allele frequency attached by ClinVar (database versions not stated): gnomAD 0.00001; ExAC 0.00002; gnomAD exomes 0.00002 and 0.00004; TOPMed 0.00003; ESP Exome Variant Server 0.00015.

Submissions (3):

GeneDx
Classification: Uncertain significance. Last evaluated: 2024-09-19. Review status: criteria provided, single submitter. Criteria: GeneDx Variant Classification Process June 2021. Collection method: clinical testing. Allele origin: germline. Affected: yes.
Comment: In silico analysis supports that this missense variant has a deleterious effect on protein structure/function; Has not been previously published as pathogenic or benign to our knowledge

Labcorp Genetics (formerly Invitae), Labcorp
Classification: Uncertain significance. Last evaluated: 2022-02-09. Review status: criteria provided, single submitter. Criteria: Invitae Variant Classification Sherloc (09022015). Collection method: clinical testing. Allele origin: germline.
Comment: This sequence change replaces proline, which is neutral and non-polar, with arginine, which is basic and polar, at codon 603 of the KARS protein (p.Pro603Arg). This variant is present in population databases (rs148798578, gnomAD 0.02%). This variant has not been reported in the literature in individuals affected with KARS-related conditions. ClinVar contains an entry for this variant (Variation ID: 804949). Algorithms developed to predict the effect of missense changes on protein structure and function (SIFT, PolyPhen-2, Align-GVGD) all suggest that this variant is likely to be disruptive. In summary, the available evidence is currently insufficient to determine the role of this variant in disease. Therefore, it has been classified as a Variant of Uncertain Significance.

Athena Diagnostics
Classification: Uncertain significance. Last evaluated: 2019-03-18. Review status: criteria provided, single submitter. Criteria: Athena Diagnostics Criteria. Collection method: clinical testing. Allele origin: germline.